The following is an entry in ClinVar:

ClinVar aggregate classification (germline): Likely benign. Review status: criteria provided, multiple submitters, no conflicts (2 of 4 stars). 2 submissions from 2 submitters: Likely benign (2). Last evaluated 2025-04-23.

Conditions:
Baraitser-Winter syndrome 1 (BRWS1). Also called: BARAITSER-WINTER SYNDROME 1, ATYPICAL; PACHYGYRIA, MENTAL RETARDATION, EPILEPSY, AND CHARACTERISTIC FACIES; MENTAL RETARDATION WITH EPILEPSY AND CHARACTERISTIC FACIES; Cerebrofrontofacial syndrome. Identifiers: Orphanet 2649, Orphanet 2995, MedGen C1855722, MONDO:0009470, OMIM 243310.

Allele frequency attached by ClinVar (database versions not stated): gnomAD exomes below 0.00001; TOPMed below 0.00001.
gnomAD v4.1: 2 of 1,614,012 alleles (0.00012%); highest among the groups gnomAD compares: Non-Finnish European, 0.00017%; no homozygotes.

Submissions (2):

Labcorp Genetics (formerly Invitae), Labcorp
Classification: Likely benign for Baraitser-Winter syndrome 1. Last evaluated: 2025-04-23. Review status: criteria provided, single submitter. Criteria: Invitae Variant Classification Sherloc (09022015). Collection method: clinical testing. Allele origin: germline.

CeGaT Center for Human Genetics Tuebingen
Classification: Likely benign. Last evaluated: 2022-11-01. Review status: criteria provided, single submitter. Criteria: CeGaT Center For Human Genetics Tuebingen Variant Classification Criteria Version 2. Collection method: clinical testing. Allele origin: germline. Affected: yes. Observed: 1 variant allele.
Comment: ACTB: PM2:Supporting, BP4, BP7

NM_001101.5(ACTB):c.424C>T (p.Leu142=)

Gene: ACTB (actin beta; minus strand). Cytogenetic location: 7p22.1.
Variant type: single nucleotide variant.
Coding change: c.424C>T on transcript NM_001101.5 (MANE Select); coding-DNA position 424, C replaced by T.
Protein change: p.Leu142=; no amino-acid change (leucine 142 retained).
Molecular consequence: synonymous variant.
Genome position (GRCh38, 1-based): chr7:5,528,659, G>A on the plus strand (C>T on the coding strand, the complement: ACTB is on the minus strand). VCF-style: chr7-5528659-G-A. GRCh37 (hg19) VCF-style: chr7-5568290-G-A.
Identifiers: ClinVar variation 2657288 (VCV002657288.25), dbSNP rs1784815698, ClinGen allele CA453639271.
Genomic context (GRCh38, chr7:5,528,659, plus strand): 5'-TGTGGGTGACCCCGTCACCGGAGTCCATCACGATGCCAGTGGTACGGCCAGAGGCGTACA[G>A]GGATAGCACAGCCTGGATAGCAACGTACATGGCTGGGGTGTTGAAGGTCTCAAACATGAT-3'
Protein context (NP_001092.1, residues 132-152): MYVAIQAVLS[Leu142=]YASGRTTGIV